The following is an entry in ClinVar:

ClinVar aggregate classification (germline): Likely benign. Review status: criteria provided, multiple submitters, no conflicts (2 of 4 stars). 4 submissions from 4 submitters: Likely benign (3). 1 of the submissions does not count toward it. Last evaluated 2024-11-13.

Conditions:
ATP2B3-related disorder. Also called: ATP2B3-related condition.

Allele frequency attached by ClinVar (database versions not stated): TOPMed 0.00029; gnomAD exomes 0.00035; ESP Exome Variant Server 0.00038; gnomAD 0.00039 and 0.00041; ExAC 0.00040.
gnomAD v4.1: 584 of 1,206,311 alleles (0.048%); highest among the groups gnomAD compares: Non-Finnish European, 0.06%; no homozygotes.

Submissions (4):

Blueprint Genetics
Classification: Likely benign. Last evaluated: 2024-11-13. Review status: criteria provided, single submitter. Criteria: ACMG Guidelines, 2015. Collection method: clinical testing. Allele origin: germline.

CeGaT Center for Human Genetics Tuebingen
Classification: Likely benign. Last evaluated: 2022-10-01. Review status: criteria provided, single submitter. Criteria: CeGaT Center For Human Genetics Tuebingen Variant Classification Criteria Version 2. Collection method: clinical testing. Allele origin: germline. Affected: yes. Observed: 2 variant alleles.
Comment: ATP2B3: BP4, BS2

Labcorp Genetics (formerly Invitae), Labcorp
Classification: Likely benign. Last evaluated: 2019-12-31. Review status: criteria provided, single submitter. Criteria: Invitae Variant Classification Sherloc (09022015). Collection method: clinical testing. Allele origin: germline.

PreventionGenetics, part of Exact Sciences
Classification: Likely benign for ATP2B3-related condition. Last evaluated: 2022-05-31. Review status: no assertion criteria provided. Collection method: clinical testing. Allele origin: germline. Not counted in ClinVar's aggregate classification.
Comment: This variant is classified as likely benign based on ACMG/AMP sequence variant interpretation guidelines (Richards et al. 2015 PMID: 25741868, with internal and published modifications).

NM_001001344.3(ATP2B3):c.1099C>T (p.Leu367=)

Gene: ATP2B3 (ATPase plasma membrane Ca2+ transporting 3; plus strand). Cytogenetic location: Xq28.
Variant type: single nucleotide variant.
Coding change: c.1099C>T on transcript NM_001001344.3 (MANE Select); coding-DNA position 1099, C replaced by T.
Protein change: p.Leu367=; no amino-acid change (leucine 367 retained).
Molecular consequence: synonymous variant.
Genome position (GRCh38, 1-based): chrX:153,547,975, C>T. VCF-style: chrX-153547975-C-T. GRCh37 (hg19) VCF-style: chrX-152813433-C-T.
Other names: c.1099C>T, p.Leu367= (NM_001388360.1, NM_001388361.1, NM_001388362.1 and 1 more transcripts).
Identifiers: ClinVar variation 444827 (VCV000444827.49), dbSNP rs150989590, ClinGen allele CA10547649.